The following is an entry in ClinVar:

ClinVar aggregate classification (germline): Uncertain significance. Review status: criteria provided, multiple submitters, no conflicts (2 of 4 stars). 2 submissions from 2 submitters: Uncertain significance (2). Last evaluated 2025-10-23.

Submissions (2):

Labcorp Genetics (formerly Invitae), Labcorp
Classification: Uncertain significance. Last evaluated: 2025-10-23. Review status: criteria provided, single submitter. Criteria: Invitae Variant Classification Sherloc (09022015). Collection method: clinical testing. Allele origin: germline.
Comment: This sequence change replaces tyrosine, which is neutral and polar, with cysteine, which is neutral and slightly polar, at codon 118 of the CFH protein (p.Tyr118Cys). This variant is present in population databases (no rsID available, gnomAD 0.003%). This variant has not been reported in the literature in individuals affected with CFH-related conditions. An algorithm developed to predict the effect of missense changes on protein structure and function (PolyPhen-2) suggests that this variant is likely to be disruptive. In summary, the available evidence is currently insufficient to determine the role of this variant in disease. Therefore, it has been classified as a Variant of Uncertain Significance.

Women's Health and Genetics/Laboratory Corporation of America, LabCorp
Classification: Uncertain significance. Last evaluated: 2025-09-30. Review status: criteria provided, single submitter. Criteria: LabCorp Variant Classification Summary - May 2015. Collection method: clinical testing. Allele origin: germline.
Comment: Variant summary: CFH c.353A>G (p.Tyr118Cys) results in a non-conservative amino acid change in the encoded protein sequence. Algorithms developed to predict the effect of missense changes on protein structure and function all suggest that this variant is likely to be disruptive. Consensus agreement among computation tools predict no significant impact on normal splicing. However, these predictions have yet to be confirmed by functional studies. The variant allele was found at a frequency of 4e-06 in 250664 control chromosomes. The available data on variant occurrences in the general population are insufficient to allow any conclusion about variant significance. To our knowledge, no occurrence of c.353A>G in individuals affected with CFH-related conditions and no experimental evidence demonstrating its impact on protein function have been reported. No submitters have cited clinical-significance assessments for this variant to ClinVar. Based on the evidence outlined above, the variant was classified as uncertain significance.

NM_000186.4(CFH):c.353A>G (p.Tyr118Cys)

Gene: CFH (complement factor H; plus strand). Cytogenetic location: 1q31.3.
Variant type: single nucleotide variant.
Coding change: c.353A>G on transcript NM_000186.4 (MANE Select); coding-DNA position 353, A replaced by G.
Protein change: p.Tyr118Cys; replaces tyrosine 118 with cysteine.
Molecular consequence: missense variant.
Genome position (GRCh38, 1-based): chr1:196,675,991, A>G. VCF-style: chr1-196675991-A-G. GRCh37 (hg19) VCF-style: chr1-196645121-A-G.
Other names: c.353A>G, p.Tyr118Cys (NM_001014975.3); short protein forms Y118C.
Identifiers: ClinVar variation 4536038 (VCV004536038.2).